The following is an entry in ClinVar:

NM_021942.6(TRAPPC11):c.2490C>T (p.Asp830=)

Genes: TRAPPC11 (trafficking protein particle complex subunit 11; plus strand), LOC126807238 (BRD4-independent group 4 enhancer GRCh37_chr4:184614366-184615565; plus strand). Cytogenetic location: 4q35.1.
Variant type: single nucleotide variant.
Coding change: c.2490C>T on transcript NM_021942.6 (MANE Select); coding-DNA position 2490, C replaced by T.
Protein change: p.Asp830=; no amino-acid change (aspartic acid 830 retained).
Molecular consequence: synonymous variant.
Genome position (GRCh38, 1-based): chr4:183,694,020, C>T. VCF-style: chr4-183694020-C-T. GRCh37 (hg19) VCF-style: chr4-184615173-C-T.
Other names: c.2490C>T, p.Asp830= (NM_199053.3).
Identifiers: ClinVar variation 729878 (VCV000729878.9), dbSNP rs1020680380, ClinGen allele CA111858860.

ClinVar aggregate classification (germline): Likely benign. Review status: criteria provided, multiple submitters, no conflicts (2 of 4 stars). 2 submissions from 2 submitters: Likely benign (2). Last evaluated 2025-10-08.

Conditions:
Autosomal recessive limb-girdle muscular dystrophy type R18 (LGMDR18). Also called: Limb-girdle muscular dystrophy, type 2S; MUSCULAR DYSTROPHY, LIMB-GIRDLE, AUTOSOMAL RECESSIVE 18; Autosomal recessive limb-girdle muscular dystrophy type 2S. Identifiers: Orphanet 369840, MedGen C4517996, MONDO:0014144, OMIM 615356.

Allele frequency attached by ClinVar (database versions not stated): TOPMed 0.00006; gnomAD 0.00003.
gnomAD v4.1: 9 of 1,613,704 alleles (0.00056%); highest among the groups gnomAD compares: African/African-American, 0.004%; no homozygotes.

Submissions (2):

Athena Diagnostics
Classification: Likely benign. Last evaluated: 2025-10-08. Review status: criteria provided, single submitter. Criteria: Athena Diagnostics Criteria. Collection method: clinical testing. Allele origin: unknown.
Comment: Computational tools yielded predictions that this variant is unlikely to have an effect on normal RNA splicing. This nucleotide position exhibits low evolutionary conservation.

Labcorp Genetics (formerly Invitae), Labcorp
Classification: Likely benign for Autosomal recessive limb-girdle muscular dystrophy type R18. Last evaluated: 2024-02-15. Review status: criteria provided, single submitter. Criteria: Invitae Variant Classification Sherloc (09022015). Collection method: clinical testing. Allele origin: germline.